The following is an entry in ClinVar:

NM_015978.3(TNNI3K):c.1223A>G (p.Gln408Arg)

Genes: FPGT-TNNI3K (FPGT-TNNI3K readthrough; plus strand), TNNI3K (TNNI3 interacting kinase; plus strand). Cytogenetic location: 1p31.1.
Variant type: single nucleotide variant.
Coding change: c.1223A>G on transcript NM_015978.3 (MANE Select); coding-DNA position 1223, A replaced by G.
Protein change: p.Gln408Arg; replaces glutamine 408 with arginine.
Molecular consequence: missense variant.
Genome position (GRCh38, 1-based): chr1:74,367,301, A>G. VCF-style: chr1-74367301-A-G. GRCh37 (hg19) VCF-style: chr1-74832985-A-G.
Other names: c.1526A>G, p.Gln509Arg (NM_001112808.3, NM_001199327.2); short protein forms Q509R, Q408R.
Identifiers: ClinVar variation 1968081 (VCV001968081.5), dbSNP rs768435419, ClinGen allele CA24543099.

ClinVar aggregate classification (germline): Uncertain significance (1 of 4 stars; one submission).

Allele frequency attached by ClinVar (database versions not stated): gnomAD exomes 0.00001.
gnomAD v4.1: 7 of 1,612,250 alleles (0.00043%); highest among the groups gnomAD compares: South Asian, 0.0022%; no homozygotes.

Submission:

Labcorp Genetics (formerly Invitae), Labcorp
Classification: Uncertain significance. Last evaluated: 2025-05-04. Review status: criteria provided, single submitter. Criteria: Invitae Variant Classification Sherloc (09022015). Collection method: clinical testing. Allele origin: germline.
Comment: This sequence change replaces glutamine, which is neutral and polar, with arginine, which is basic and polar, at codon 408 of the TNNI3K protein (p.Gln408Arg). This variant is not present in population databases (gnomAD no frequency). This variant has not been reported in the literature in individuals affected with TNNI3K-related conditions. ClinVar contains an entry for this variant (Variation ID: 1968081). Invitae Evidence Modeling of protein sequence and biophysical properties (such as structural, functional, and spatial information, amino acid conservation, physicochemical variation, residue mobility, and thermodynamic stability) indicates that this missense variant is not expected to disrupt TNNI3K protein function with a negative predictive value of 80%. In summary, the available evidence is currently insufficient to determine the role of this variant in disease. Therefore, it has been classified as a Variant of Uncertain Significance.